The following is an entry in ClinVar:

ClinVar aggregate classification (germline): Uncertain significance (1 of 4 stars; one submission).

gnomAD v4.1: 1 of 1,603,856 alleles (0.000062%); highest among the groups gnomAD compares: Non-Finnish European, 0.000085%; no homozygotes.

Submission:

Labcorp Genetics (formerly Invitae), Labcorp
Classification: Uncertain significance. Last evaluated: 2024-09-10. Review status: criteria provided, single submitter. Criteria: Invitae Variant Classification Sherloc (09022015). Collection method: clinical testing. Allele origin: germline.
Comment: This sequence change replaces glycine, which is neutral and non-polar, with valine, which is neutral and non-polar, at codon 251 of the NACC1 protein (p.Gly251Val). This variant is not present in population databases (gnomAD no frequency). This variant has not been reported in the literature in individuals affected with NACC1-related conditions. Invitae Evidence Modeling of protein sequence and biophysical properties (such as structural, functional, and spatial information, amino acid conservation, physicochemical variation, residue mobility, and thermodynamic stability) indicates that this missense variant is not expected to disrupt NACC1 protein function with a negative predictive value of 80%. In summary, the available evidence is currently insufficient to determine the role of this variant in disease. Therefore, it has been classified as a Variant of Uncertain Significance.

NM_052876.4(NACC1):c.752G>T (p.Gly251Val)

Gene: NACC1 (nucleus accumbens associated 1; plus strand). Cytogenetic location: 19p13.13.
Variant type: single nucleotide variant.
Coding change: c.752G>T on transcript NM_052876.4 (MANE Select); coding-DNA position 752, G replaced by T.
Protein change: p.Gly251Val; replaces glycine 251 with valine.
Molecular consequence: missense variant.
Genome position (GRCh38, 1-based): chr19:13,135,959, G>T. VCF-style: chr19-13135959-G-T. GRCh37 (hg19) VCF-style: chr19-13246773-G-T.
Other names: short protein forms G251V.
Identifiers: ClinVar variation 3681360 (VCV003681360.2).